The following is an entry in ClinVar:

NM_001365276.2(TNXB):c.5203C>G (p.Arg1735Gly)

Gene: TNXB (tenascin XB; minus strand). Cytogenetic location: 6p21.33.
Variant type: single nucleotide variant.
Coding change: c.5203C>G on transcript NM_001365276.2 (MANE Select); coding-DNA position 5203, C replaced by G.
Protein change: p.Arg1735Gly; replaces arginine 1735 with glycine.
Molecular consequence: missense variant.
Genome position (GRCh38, 1-based): chr6:32,070,202, G>C on the plus strand (C>G on the coding strand, the complement: TNXB is on the minus strand). VCF-style: chr6-32070202-G-C. GRCh37 (hg19) VCF-style: chr6-32037979-G-C.
Other names: c.5944C>G, p.Arg1982Gly (NM_001428335.1); c.5203C>G, p.Arg1735Gly (NM_019105.8); short protein forms R1735G, R1982G.
Identifiers: ClinVar variation 4847985 (VCV004847985.1).
Genomic context (GRCh38, chr6:32,070,202, plus strand): 5'-CAGTGAGAGGGCCATGGCGCTTCTTGCCCAGGAGGCCATAGAGGAGGAATCTGTACTTGC[G>C]GCCGGCATCCAGAGGGGTGACAGTGACAGAGCGCTCATGGCCCTCCACGGGCACCACCTG-3'
Protein context (NP_001352205.1, residues 1725-1745): SVTVTPLDAG[Arg1735Gly]KYRFLLYGLL

ClinVar aggregate classification (germline): Uncertain significance (1 of 4 stars; one submission).

gnomAD v4.1: 10 of 1,612,170 alleles (0.00062%); highest among the groups gnomAD compares: Non-Finnish European, 0.00085%; no homozygotes.

Submission:

Women's Health and Genetics/Laboratory Corporation of America, LabCorp
Classification: Uncertain significance. Last evaluated: 2026-02-09. Review status: criteria provided, single submitter. Criteria: LabCorp Variant Classification Summary - May 2015. Collection method: clinical testing. Allele origin: germline.
Comment: Variant summary: TNXB c.5203C>G (p.Arg1735Gly) results in a non-conservative amino acid change in the encoded protein sequence. Algorithms developed to predict the effect of missense changes on protein structure and function are either unavailable or do not agree on the potential impact of this missense change. The variant allele was found at a frequency of 1.2e-05 in 247814 control chromosomes. The available data on variant occurrences in the general population are insufficient to allow any conclusion about variant significance. To our knowledge, no occurrence of c.5203C>G in individuals affected with TNXB-related conditions and no experimental evidence demonstrating its impact on protein function have been reported. No submitters have cited clinical-significance assessments for this variant to ClinVar. Based on the evidence outlined above, the variant was classified as uncertain significance.